The following is an entry in ClinVar:

ClinVar aggregate classification (germline): Likely benign. Review status: criteria provided, single submitter (1 of 4 stars). 2 submissions from 2 submitters: Likely benign (1). 1 of the submissions does not count toward it. Last evaluated 2024-12-01.

Conditions:
VARS1-related disorder. Also called: VARS1-related condition.

Allele frequency attached by ClinVar (database versions not stated): ExAC 0.00007; TOPMed 0.00007; gnomAD 0.00008.
gnomAD v4.1: 85 of 1,612,570 alleles (0.0053%); highest among the groups gnomAD compares: Middle Eastern, 0.016%; no homozygotes.

Submissions (2):

CeGaT Center for Human Genetics Tuebingen
Classification: Likely benign. Last evaluated: 2024-12-01. Review status: criteria provided, single submitter. Criteria: CeGaT Center For Human Genetics Tuebingen Variant Classification Criteria Version 2. Collection method: clinical testing. Allele origin: germline. Affected: yes. Observed: 1 variant allele.
Comment: VARS1: BP4, BP7

PreventionGenetics, part of Exact Sciences
Classification: Likely benign for VARS1-related condition. Last evaluated: 2019-03-08. Review status: no assertion criteria provided. Collection method: clinical testing. Allele origin: germline. Not counted in ClinVar's aggregate classification.
Comment: This variant is classified as likely benign based on ACMG/AMP sequence variant interpretation guidelines (Richards et al. 2015 PMID: 25741868, with internal and published modifications).

NM_006295.3(VARS1):c.2070C>T (p.Ser690=)

Gene: VARS1 (valyl-tRNA synthetase 1; minus strand). Cytogenetic location: 6p21.33.
Variant type: single nucleotide variant.
Coding change: c.2070C>T on transcript NM_006295.3 (MANE Select); coding-DNA position 2070, C replaced by T.
Protein change: p.Ser690=; no amino-acid change (serine 690 retained).
Molecular consequence: synonymous variant.
Genome position (GRCh38, 1-based): chr6:31,782,365, G>A on the plus strand (C>T on the coding strand, the complement: VARS1 is on the minus strand). VCF-style: chr6-31782365-G-A. GRCh37 (hg19) VCF-style: chr6-31750142-G-A.
Identifiers: ClinVar variation 3035894 (VCV003035894.15), dbSNP rs777386611, ClinGen allele CA3723098.